The following is an entry in ClinVar:

NM_000038.6(APC):c.6003A>T (p.Lys2001Asn)

Gene: APC (APC regulator of Wnt signaling pathway; plus strand). Cytogenetic location: 5q22.2.
Variant type: single nucleotide variant.
Coding change: c.6003A>T on transcript NM_000038.6 (MANE Select); coding-DNA position 6003, A replaced by T.
Protein change: p.Lys2001Asn; replaces lysine 2001 with asparagine.
Molecular consequence: missense variant. On other transcripts: non-coding transcript variant (2).
Genome position (GRCh38, 1-based): chr5:112,841,597, A>T. VCF-style: chr5-112841597-A-T. GRCh37 (hg19) VCF-style: chr5-112177294-A-T.
Other names: c.6003A>T, p.Lys2001Asn (NM_001127510.3, NM_001354895.2, NM_001407450.1); c.5949A>T, p.Lys1983Asn (NM_001127511.3); c.6057A>T, p.Lys2019Asn (NM_001354896.2, NM_001407447.1, NM_001407448.1 and 1 more transcripts); c.6033A>T, p.Lys2011Asn (NM_001354897.2); c.5928A>T, p.Lys1976Asn (NM_001354898.2); c.5919A>T, p.Lys1973Asn (NM_001354899.2); c.5880A>T, p.Lys1960Asn (NM_001354900.2); c.5826A>T, p.Lys1942Asn (NM_001354901.2, NM_001407453.1); and 11 more; short protein forms K1617N, K1718N, K1841N, K1872N, K1875N, K1900N, K1910N, K1918N.
Identifiers: ClinVar variation 3230826 (VCV003230826.1), dbSNP rs2149954641, ClinGen allele CA16034471.

ClinVar aggregate classification (germline): Uncertain significance (1 of 4 stars; one submission).

Conditions:
Hereditary cancer-predisposing syndrome. Also called: Neoplastic Syndromes, Hereditary; Tumor predisposition; Hereditary neoplastic syndrome; Hereditary Cancer Syndrome. Identifiers: Orphanet 140162, MedGen C0027672, MeSH D009386, MONDO:0015356.

Submission:

Ambry Genetics
Classification: Uncertain significance for Hereditary cancer-predisposing syndrome. Last evaluated: 2024-01-15. Review status: criteria provided, single submitter. Criteria: Ambry Variant Classification Scheme 2023. Collection method: clinical testing. Allele origin: germline.
Comment: The p.K2001N variant (also known as c.6003A>T), located in coding exon 15 of the APC gene, results from an A to T substitution at nucleotide position 6003. The lysine at codon 2001 is replaced by asparagine, an amino acid with similar properties. This amino acid position is conserved. In addition, in silico predictors for this gene do not accurately predict pathogenicity. Since supporting evidence is limited at this time, the clinical significance of this alteration remains unclear.